The following is an entry in ClinVar:

ClinVar aggregate classification (germline): Benign. Review status: criteria provided, multiple submitters, no conflicts (2 of 4 stars). 2 submissions from 2 submitters: Benign (2). Last evaluated 2018-06-14.

Allele frequency attached by ClinVar (database versions not stated): 1000 Genomes Project 0.33127; 1000 Genomes Project 30x 0.33666; gnomAD 0.41200 and 0.42092; TOPMed 0.41850.
gnomAD v4.1: 62,629 of 151,926 alleles (41%); highest among the groups gnomAD compares: African/African-American, 54%; 13,742 homozygotes.

Submissions (2):

GeneDx
Classification: Benign. Last evaluated: 2018-06-14. Review status: criteria provided, single submitter. Criteria: GeneDx Variant Classification (06012015). Collection method: clinical testing. Allele origin: germline. Affected: yes.
Comment: This variant is considered likely benign or benign based on one or more of the following criteria: it is a conservative change, it occurs at a poorly conserved position in the protein, it is predicted to be benign by multiple in silico algorithms, and/or has population frequency not consistent with disease.

Breakthrough Genomics
Classification: Benign. Review status: criteria provided, single submitter. Criteria: ACMG Guidelines, 2015. Collection method: not provided. Allele origin: germline. Inheritance: Autosomal recessive inheritance. Affected: yes.

NM_024809.5(TCTN2):c.267+218A>G

Gene: TCTN2 (tectonic family member 2; plus strand). Cytogenetic location: 12q24.31.
Variant type: single nucleotide variant.
Coding change: c.267+218A>G on transcript NM_024809.5 (MANE Select); 218 bases into the intron after coding-DNA position 267, A replaced by G.
Molecular consequence: intron variant.
Genome position (GRCh38, 1-based): chr12:123,672,350, A>G. VCF-style: chr12-123672350-A-G. GRCh37 (hg19) VCF-style: chr12-124156897-A-G.
Other names: c.267+218A>G (NM_001143850.3).
Identifiers: ClinVar variation 670707 (VCV000670707.2), dbSNP rs7306549, ClinGen allele CA13605526.
Genomic context (GRCh38, chr12:123,672,350, plus strand): 5'-CGGGTTCCTTACCCTGGGGTTAGGAGTCCTTGGATGTATTTCAGTGGGTCTGTGAACTCT[A>G]TGAAATTGTATGTAAAGTTCTGTGTGTATGTGCATTTTTCTGATGAGAGGGTCACCAGTT-3'